The following is an entry in ClinVar:

NM_001367943.1(TCF7L2):c.451-14360G>A

Gene: TCF7L2 (transcription factor 7 like 2; plus strand). Cytogenetic location: 10q25.2.
Variant type: single nucleotide variant.
Coding change: c.451-14360G>A on transcript NM_001367943.1 (MANE Select); 14360 bases into the intron before coding-DNA position 451, G replaced by A.
Molecular consequence: intron variant.
Genome position (GRCh38, 1-based): chr10:113,025,665, G>A. VCF-style: chr10-113025665-G-A. GRCh37 (hg19) VCF-style: chr10-114785424-G-A.
Other names: c.451-14360G>A (NM_001363501.2, NM_001146274.2, NM_001198531.2); c.382-14360G>A (NM_001146283.2, NM_001198525.2, NM_001198528.2 and 7 more transcripts); c.381+74058G>A (NM_001198530.2).
Identifiers: ClinVar variation 1274945 (VCV001274945.1), dbSNP rs7074440, ClinGen allele CA13204221.

ClinVar aggregate classification (germline): Benign (1 of 4 stars; one submission).

Allele frequency attached by ClinVar (database versions not stated): 1000 Genomes Project 0.18990; 1000 Genomes Project 30x 0.19191; TOPMed 0.24920.
gnomAD v4.1: 37,821 of 152,100 alleles (25%); highest among the groups gnomAD compares: Middle Eastern, 37%; 5,124 homozygotes.

Submission:

GeneDx
Classification: Benign. Last evaluated: 2019-10-17. Review status: criteria provided, single submitter. Criteria: GeneDx Variant Classification Process June 2021. Collection method: clinical testing. Allele origin: germline. Affected: yes.
Comment: This variant is associated with the following publications: (PMID: 29331016)